The following is an entry in ClinVar:

ClinVar aggregate classification (germline): Uncertain significance (1 of 4 stars; one submission).

Conditions:
Developmental and epileptic encephalopathy, 30 (DEE30). Also called: Epileptic encephalopathy, early infantile, 30. Identifiers: MedGen C4225360, MONDO:0014595, OMIM 616341.

Submission:

Labcorp Genetics (formerly Invitae), Labcorp
Classification: Uncertain significance for Developmental and epileptic encephalopathy, 30. Last evaluated: 2023-06-05. Review status: criteria provided, single submitter. Criteria: Invitae Variant Classification Sherloc (09022015). Collection method: clinical testing. Allele origin: germline.
Comment: ClinVar contains an entry for this variant (Variation ID: 1951811). Variants that disrupt the consensus splice site are a relatively common cause of aberrant splicing (PMID: 17576681, 9536098). Algorithms developed to predict the effect of sequence changes on RNA splicing suggest that this variant may disrupt the consensus splice site. In summary, the available evidence is currently insufficient to determine the role of this variant in disease. Therefore, it has been classified as a Variant of Uncertain Significance. This variant has not been reported in the literature in individuals affected with SIK1-related conditions. This sequence change falls in intron 5 of the SIK1 gene. It does not directly change the encoded amino acid sequence of the SIK1 protein. It affects a nucleotide within the consensus splice site. This variant is not present in population databases (gnomAD no frequency).

Literature cited by the submitters: PubMed 17576681; PubMed 9536098.

NM_173354.5(SIK1):c.499+4del

Gene: SIK1 (salt inducible kinase 1; minus strand). Cytogenetic location: 21q22.3.
Variant type: Deletion.
Coding change: c.499+4del on transcript NM_173354.5 (MANE Select); 4 bases into the intron after coding-DNA position 499, one base deleted (C; older notation c.499+4delC).
Molecular consequence: intron variant.
Genome position (GRCh38, 1-based): chr21:43,421,634, G deleted on the plus strand (C on the coding strand, the reverse complement: SIK1 is on the minus strand). VCF-style (leftmost placement, unchanged base first): chr21-43421633-CG-C. GRCh37 (hg19) VCF-style: chr21-44841513-CG-C.
Identifiers: ClinVar variation 1951811 (VCV001951811.5), dbSNP rs2516967707, ClinGen allele CA2580098761.